The following is an entry in ClinVar:

ClinVar aggregate classification (germline): Pathogenic (1 of 4 stars; one submission).

Conditions:
Hereditary breast ovarian cancer syndrome. Also called: Hereditary breast and ovarian cancer syndrome; Hereditary breast and/or ovarian cancer syndrome; Hereditary breast and ovarian cancer; Hereditary breast and ovarian cancer syndrome (HBOC); Breast and ovarian cancer; BRCA1- and BRCA2-Associated Hereditary Breast and Ovarian Cancer. Identifiers: Orphanet 145, MedGen C0677776, MeSH D061325, MONDO:0003582. Disease mechanism: loss of function.

Submission:

Labcorp Genetics (formerly Invitae), Labcorp
Classification: Pathogenic for Hereditary breast ovarian cancer syndrome. Last evaluated: 2024-11-13. Review status: criteria provided, single submitter. Criteria: Invitae Variant Classification Sherloc (09022015). Collection method: clinical testing. Allele origin: germline.
Comment: This sequence change creates a premature translational stop signal (p.Leu1356*) in the BRCA2 gene. It is expected to result in an absent or disrupted protein product. Loss-of-function variants in BRCA2 are known to be pathogenic (PMID: 20104584). This variant is not present in population databases (gnomAD no frequency). This variant has not been reported in the literature in individuals affected with BRCA2-related conditions. For these reasons, this variant has been classified as Pathogenic.

Literature cited by the submitters: PubMed 20104584.

NM_000059.4(BRCA2):c.4067T>A (p.Leu1356Ter)

Gene: BRCA2 (BRCA2 DNA repair associated; plus strand). Cytogenetic location: 13q13.1.
Variant type: single nucleotide variant.
Coding change: c.4067T>A on transcript NM_000059.4 (MANE Select); coding-DNA position 4067, T replaced by A.
Protein change: p.Leu1356Ter; replaces leucine 1356 with a stop codon.
Molecular consequence: nonsense. On other transcripts: non-coding transcript variant (1), intron variant (2).
Genome position (GRCh38, 1-based): chr13:32,338,422, T>A. VCF-style: chr13-32338422-T-A. GRCh37 (hg19) VCF-style: chr13-32912559-T-A.
Other names: c.4067T>A, p.Leu1356Ter (NM_001406719.1, NM_001406720.1, NM_001432077.1); c.1909+5035T>A (NM_001406721.1); c.425-6136T>A (NM_001406722.1); short protein forms L1356*.
Identifiers: ClinVar variation 3725168 (VCV003725168.2).